The following is an entry in ClinVar:

NM_000533.5(PLP1):c.180T>G (p.Tyr60Ter)

Genes: RAB9B (RAB9B, member RAS oncogene family; minus strand), PLP1 (proteolipid protein 1; plus strand). Cytogenetic location: Xq22.2.
Variant type: single nucleotide variant.
Coding change: c.180T>G on transcript NM_000533.5 (MANE Select); coding-DNA position 180, T replaced by G.
Protein change: p.Tyr60Ter; replaces tyrosine 60 with a stop codon.
Molecular consequence: nonsense.
Genome position (GRCh38, 1-based): chrX:103,785,757, T>G. VCF-style: chrX-103785757-T-G. GRCh37 (hg19) VCF-style: chrX-103040686-T-G.
Other names: c.180T>G, p.Tyr60Ter (NM_001128834.3, NM_199478.3); c.15T>G, p.Tyr5Ter (NM_001305004.1); short protein forms Y5*, Y60*.
Identifiers: ClinVar variation 2053904 (VCV002053904.4), dbSNP rs2522301939, ClinGen allele CA414102360.

ClinVar aggregate classification (germline): Pathogenic (1 of 4 stars; one submission).

Conditions:
Hereditary spastic paraplegia 2 (SPG2). Also called: Spastic Paraplegia 2 (SPG2); SPASTIC PARAPLEGIA 2, X-LINKED. Identifiers: Orphanet 99015, MedGen C0751604, MONDO:0010733, OMIM 312920.

Submission:

Labcorp Genetics (formerly Invitae), Labcorp
Classification: Pathogenic for Hereditary spastic paraplegia 2. Last evaluated: 2022-08-15. Review status: criteria provided, single submitter. Criteria: Invitae Variant Classification Sherloc (09022015). Collection method: clinical testing. Allele origin: germline.
Comment: This variant has not been reported in the literature in individuals affected with PLP1-related conditions. This variant is not present in population databases (gnomAD no frequency). For these reasons, this variant has been classified as Pathogenic. This sequence change creates a premature translational stop signal (p.Tyr60*) in the PLP1 gene. It is expected to result in an absent or disrupted protein product. Loss-of-function variants in PLP1 are known to be pathogenic (PMID: 18470932).

Literature cited by the submitters: PubMed 18470932.